The following is an entry in ClinVar:

NM_006904.7(PRKDC):c.2086G>C (p.Glu696Gln)

Gene: PRKDC (protein kinase, DNA-activated, catalytic subunit; minus strand). Cytogenetic location: 8q11.21.
Variant type: single nucleotide variant.
Coding change: c.2086G>C on transcript NM_006904.7 (MANE Select); coding-DNA position 2086, G replaced by C.
Protein change: p.Glu696Gln; replaces glutamic acid 696 with glutamine.
Molecular consequence: missense variant.
Genome position (GRCh38, 1-based): chr8:47,929,145, C>G on the plus strand (G>C on the coding strand, the complement: PRKDC is on the minus strand). VCF-style: chr8-47929145-C-G. GRCh37 (hg19) VCF-style: chr8-48841705-C-G.
Other names: c.2086G>C, p.Glu696Gln (NM_001081640.2); short protein forms E696Q.
Identifiers: ClinVar variation 3225776 (VCV003225776.1), dbSNP rs1301140170, ClinGen allele CA371163867.

ClinVar aggregate classification (germline): Uncertain significance (1 of 4 stars; one submission).

Submission:

Ambry Genetics
Classification: Uncertain significance. Last evaluated: 2024-02-22. Review status: criteria provided, single submitter. Criteria: Ambry Variant Classification Scheme 2023. Collection method: clinical testing. Allele origin: germline.
Comment: The p.E696Q variant (also known as c.2086G>C), located in coding exon 19 of the PRKDC gene, results from a G to C substitution at nucleotide position 2086. The glutamic acid at codon 696 is replaced by glutamine, an amino acid with highly similar properties. This amino acid position is conserved. In addition, this alteration is predicted to be tolerated by in silico analysis. Based on the available evidence, the clinical significance of this alteration remains unclear.